The following is an entry in ClinVar:

NC_000002.12:g.(?_232130609)_(232136729_?)del

Gene: DIS3L2 (DIS3 like 3'-5' exoribonuclease 2; plus strand). Cytogenetic location: 2q37.1.
Variant type: Deletion.
Identifiers: ClinVar variation 830733 (VCV000830733.3).

ClinVar aggregate classification (germline): Pathogenic (1 of 4 stars; one submission).

Conditions:
Perlman syndrome (PRLMNS). Identifiers: Orphanet 2849, MedGen C0796113, MONDO:0009965, OMIM 267000.

Submission:

Labcorp Genetics (formerly Invitae), Labcorp
Classification: Pathogenic for Perlman syndrome. Last evaluated: 2022-08-16. Review status: criteria provided, single submitter. Criteria: Invitae Variant Classification Sherloc (09022015). Collection method: clinical testing. Allele origin: germline.
Comment: For these reasons, this variant has been classified as Pathogenic. This variant has not been reported in the literature in individuals affected with DIS3L2-related conditions. This variant is a gross deletion of the genomic region encompassing exon(s) 7-8 of the DIS3L2 gene. This deletion is out-of-frame, and is expected to create a premature termination codon and result in an absent or disrupted protein product. Loss-of-function variants in DIS3L2 are known to be pathogenic (PMID: 22306653, 28328139).

Literature cited by the submitters: PubMed 22306653; PubMed 28328139.